The following is an entry in ClinVar:

ClinVar aggregate classification (germline): Conflicting classifications of pathogenicity. Review status: criteria provided, conflicting classifications (1 of 4 stars). 6 submissions from 5 submitters: Uncertain significance (4); Likely benign (2). Last evaluated 2025-08-24.

Conditions:
Age related macular degeneration 6. Identifiers: MedGen C3151060, MONDO:0013406, OMIM 613757.
RAX2-related disorder. Also called: RAX2-related condition; RAX2-related disorders.
Cone-rod dystrophy 11 (CORD11). Identifiers: Orphanet 1872, MedGen C1835865, MONDO:0012483, OMIM 610381.

Allele frequency attached by ClinVar (database versions not stated): gnomAD 0.00003 and 0.00007; TOPMed 0.00003; gnomAD exomes 0.00011; ExAC 0.00023; 1000 Genomes Project 30x 0.00047.

Submissions (6):

Labcorp Genetics (formerly Invitae), Labcorp
Classification: Uncertain significance. Last evaluated: 2025-08-24. Review status: criteria provided, single submitter. Criteria: Invitae Variant Classification Sherloc (09022015). Collection method: clinical testing. Allele origin: germline.
Comment: This sequence change replaces valine, which is neutral and non-polar, with methionine, which is neutral and non-polar, at codon 129 of the RAX2 protein (p.Val129Met). This variant is present in population databases (rs758285438, gnomAD 0.04%). This variant has not been reported in the literature in individuals affected with RAX2-related conditions. ClinVar contains an entry for this variant (Variation ID: 889123). An algorithm developed to predict the effect of missense changes on protein structure and function outputs the following: PolyPhen-2: "Benign". The methionine amino acid residue is found in multiple mammalian species, which suggests that this missense change does not adversely affect protein function. In summary, the available evidence is currently insufficient to determine the role of this variant in disease. Therefore, it has been classified as a Variant of Uncertain Significance.

Ambry Genetics
Classification: Uncertain significance. Last evaluated: 2025-04-09. Review status: criteria provided, single submitter. Criteria: Ambry Variant Classification Scheme 2023. Collection method: clinical testing. Allele origin: germline.

PreventionGenetics, part of Exact Sciences
Classification: Uncertain significance for RAX2-related condition. Last evaluated: 2025-04-09. Review status: criteria provided, single submitter. Criteria: ACMG Guidelines, 2015. Collection method: clinical testing. Allele origin: germline.
Comment: The RAX2 c.385G>A variant is predicted to result in the amino acid substitution p.Val129Met. To our knowledge, this variant has not been reported in the literature. This variant is reported in 0.039% of alleles in individuals of South Asian descent in gnomAD. At this time, the clinical significance of this variant is uncertain due to the absence of conclusive functional and genetic evidence.

Blueprint Genetics
Classification: Likely benign. Last evaluated: 2024-11-22. Review status: criteria provided, single submitter. Criteria: ACMG Guidelines, 2015. Collection method: clinical testing. Allele origin: germline.

Illumina Laboratory Services, Illumina
Classification: Likely benign for Cone-rod dystrophy 11. Last evaluated: 2018-01-12. Review status: criteria provided, single submitter. Criteria: ICSL Variant Classification Criteria 13 December 2019. Collection method: clinical testing. Allele origin: germline.
Comment: This variant was observed in the ICSL laboratory as part of a predisposition screen in an ostensibly healthy population. It had not been previously curated by ICSL or reported in the Human Gene Mutation Database (HGMD: prior to June 1st, 2018), and was therefore a candidate for classification through an automated scoring system. Utilizing variant allele frequency, disease prevalence and penetrance estimates, and inheritance mode, an automated score was calculated to assess if this variant is too frequent to cause the disease. Based on the score and internal cut-off values, a variant classified as likely benign is not then subjected to further curation. The score for this variant resulted in a classification of likely benign for this disease.

Illumina Laboratory Services, Illumina
Classification: Uncertain significance for Age related macular degeneration 6. Last evaluated: 2018-01-12. Review status: criteria provided, single submitter. Criteria: ICSL Variant Classification Criteria 13 December 2019. Collection method: clinical testing. Allele origin: germline.

NM_001319074.4(RAX2):c.385G>A (p.Val129Met)

Gene: RAX2 (retina and anterior neural fold homeobox 2; minus strand). Cytogenetic location: 19p13.3.
Variant type: single nucleotide variant.
Coding change: c.385G>A on transcript NM_001319074.4 (MANE Select); coding-DNA position 385, G replaced by A.
Protein change: p.Val129Met; replaces valine 129 with methionine.
Molecular consequence: missense variant.
Genome position (GRCh38, 1-based): chr19:3,770,791, C>T on the plus strand (G>A on the coding strand, the complement: RAX2 is on the minus strand). VCF-style: chr19-3770791-C-T. GRCh37 (hg19) VCF-style: chr19-3770789-C-T.
Other names: c.385G>A, p.Val129Met (NM_032753.4); short protein forms V129M.
Identifiers: ClinVar variation 889123 (VCV000889123.16), dbSNP rs758285438, ClinGen allele CA9085038.